The following is an entry in ClinVar:

NM_000257.4(MYH7):c.4943del (p.Ser1648fs)

Genes: MHRT (myosin heavy chain associated RNA transcript; plus strand), MIR208B (microRNA 208b; minus strand), MYH7 (myosin heavy chain 7; minus strand), LOC126861897 (BRD4-independent group 4 enhancer GRCh37_chr14:23884455-23885654; plus strand). Cytogenetic location: 14q11.2.
Variant type: Deletion.
Coding change: c.4943del on transcript NM_000257.4 (MANE Select); coding-DNA position 4943, one base deleted (G; older notation c.4943delG).
Protein change: p.Ser1648fs; shifts the reading frame from serine 1648.
Molecular consequence: frameshift variant. On other transcripts: non-coding transcript variant (1).
Genome position (GRCh38, 1-based): chr14:23,416,014, C deleted on the plus strand (G on the coding strand, the reverse complement: MYH7 is on the minus strand). VCF-style (leftmost placement, unchanged base first): chr14-23416013-GC-G. GRCh37 (hg19) VCF-style: chr14-23885222-GC-G.
Other names: c.4943del, p.Ser1648fs (NM_001407004.1); short protein forms S1648fs.
Identifiers: ClinVar variation 3242432 (VCV003242432.1), dbSNP rs2502244247.

ClinVar aggregate classification (germline): Likely pathogenic (1 of 4 stars; one submission).

Conditions:
Hypertrophic cardiomyopathy 1 (CMH1). Also called: Familial hypertrophic cardiomyopathy 1; MYH7-Related Familial Hypertrophic Cardiomyopathy. Identifiers: MedGen C3495498, MONDO:0008647, OMIM 192600.

Submission:

Institute of Medical Genetics and Applied Genomics, University Hospital Tübingen
Classification: Likely pathogenic for Hypertrophic cardiomyopathy 1. Last evaluated: 2024-06-28. Review status: criteria provided, single submitter. Criteria: ACMG Guidelines, 2015. Collection method: clinical testing. Allele origin: germline. Inheritance: Autosomal dominant inheritance. Affected: yes.